The following is an entry in ClinVar:

NM_000088.4(COL1A1):c.1776del (p.Gly593fs)

Gene: COL1A1 (collagen type I alpha 1 chain; minus strand). Cytogenetic location: 17q21.33.
Variant type: Deletion.
Coding change: c.1776del on transcript NM_000088.4 (MANE Select); coding-DNA position 1776, one base deleted (C; older notation c.1776delC).
Protein change: p.Gly593fs; shifts the reading frame from glycine 593.
Molecular consequence: frameshift variant.
Genome position (GRCh38, 1-based): chr17:50,193,039, G deleted on the plus strand (C on the coding strand, the reverse complement: COL1A1 is on the minus strand); the first of 3 consecutive G bases (chr17:50,193,039-50,193,041); deleting any one gives the same sequence. VCF-style (leftmost placement, unchanged base first): chr17-50193038-CG-C. GRCh37 (hg19) VCF-style: chr17-48270399-CG-C.
Other names: short protein forms G593fs.
Identifiers: ClinVar variation 4726859 (VCV004726859.1).
Genomic context (GRCh38, chr17:50,193,038, plus strand): 5'-GAAAGGAGATACTTACGACAGCGCCAGGGGGTCCGGGAACACCTCGCTCTCCAGCCTTGC[CG>C]GGCTCTCCCTGTGGAGAAAGGGAGTTAGGGTTGAGGGGGCTGAAGTGAGAAGCCAGGGCC-3'

ClinVar aggregate classification (germline): Pathogenic (1 of 4 stars; one submission).

Conditions:
Osteogenesis imperfecta type I (OI1). Also called: Lobstein disease; Classic Non-deforming Osteogenesis Imperfecta with Blue Sclerae; OI, TYPE I; OSTEOGENESIS IMPERFECTA TARDA; OSTEOGENESIS IMPERFECTA WITH BLUE SCLERAE; Osteogenesis imperfecta type 1. Identifiers: Orphanet 216796, Orphanet 666, MedGen C0023931, MONDO:0008146, OMIM 166200. Disease mechanism: loss of function.

Submission:

Labcorp Genetics (formerly Invitae), Labcorp
Classification: Pathogenic for Osteogenesis imperfecta type I. Last evaluated: 2025-09-13. Review status: criteria provided, single submitter. Criteria: Invitae Variant Classification Sherloc (09022015). Collection method: clinical testing. Allele origin: germline.
Comment: This sequence change creates a premature translational stop signal (p.Gly593Alafs*173) in the COL1A1 gene. It is expected to result in an absent or disrupted protein product. Loss-of-function variants in COL1A1 are known to be pathogenic (PMID: 7942841, 9295084, 9443882). This variant is not present in population databases (gnomAD no frequency). This variant has not been reported in the literature in individuals affected with COL1A1-related conditions. For these reasons, this variant has been classified as Pathogenic.

Literature cited by the submitters: PubMed 7942841; PubMed 9295084; PubMed 9443882.